The following is an entry in ClinVar:

ClinVar aggregate classification (germline): Pathogenic (1 of 4 stars; one submission).

Conditions:
Glycine encephalopathy. Also called: Nonketotic hyperglycinemia; Non-ketotic hyperglycinemia. Identifiers: Orphanet 407, MedGen C0751748, MONDO:0011612, HP:0008288.

Submission:

Labcorp Genetics (formerly Invitae), Labcorp
Classification: Pathogenic for Glycine encephalopathy. Last evaluated: 2022-02-11. Review status: criteria provided, single submitter. Criteria: Invitae Variant Classification Sherloc (09022015). Collection method: clinical testing. Allele origin: germline.
Comment: For these reasons, this variant has been classified as Pathogenic. This sequence change creates a premature translational stop signal (p.Val253*) in the AMT gene. It is expected to result in an absent or disrupted protein product. Loss-of-function variants in AMT are known to be pathogenic (PMID: 16450403). This variant is not present in population databases (gnomAD no frequency). This variant has not been reported in the literature in individuals affected with AMT-related conditions.

Literature cited by the submitters: PubMed 16450403.

NM_000481.4(AMT):c.757del (p.Glu252_Val253insTer)

Gene: AMT (aminomethyltransferase; minus strand). Cytogenetic location: 3p21.31.
Variant type: Deletion.
Coding change: c.757del on transcript NM_000481.4 (MANE Select); coding-DNA position 757, one base deleted (G; older notation c.757delG).
Protein change: p.Glu252_Val253insTer.
Molecular consequence: nonsense. On other transcripts: non-coding transcript variant (1).
Genome position (GRCh38, 1-based): chr3:49,419,091, C deleted on the plus strand (G on the coding strand, the reverse complement: AMT is on the minus strand); the first of 2 consecutive C bases (chr3:49,419,091-49,419,092); deleting either gives the same sequence. VCF-style (leftmost placement, unchanged base first): chr3-49419090-AC-A. GRCh37 (hg19) VCF-style: chr3-49456523-AC-A.
Other names: c.625del, p.Glu208_Val209insTer (NM_001164710.2); c.589del, p.Glu196_Val197insTer (NM_001164711.2); c.757del, p.Glu252_Val253insTer (NM_001164712.2).
Identifiers: ClinVar variation 2043761 (VCV002043761.4), dbSNP rs2471150370, ClinGen allele CA2580070116.